The following is an entry in ClinVar:

NM_012179.4(FBXO7):c.563A>G (p.Gln188Arg)

Gene: FBXO7 (F-box protein 7; plus strand). Cytogenetic location: 22q12.3.
Variant type: single nucleotide variant.
Coding change: c.563A>G on transcript NM_012179.4 (MANE Select); coding-DNA position 563, A replaced by G.
Protein change: p.Gln188Arg; replaces glutamine 188 with arginine.
Molecular consequence: missense variant.
Genome position (GRCh38, 1-based): chr22:32,484,042, A>G. VCF-style: chr22-32484042-A-G. GRCh37 (hg19) VCF-style: chr22-32880029-A-G.
Other names: c.326A>G, p.Gln109Arg (NM_001033024.2); c.221A>G, p.Gln74Arg (NM_001257990.2); short protein forms Q109R, Q188R, Q74R.
Identifiers: ClinVar variation 3902847 (VCV003902847.1).

ClinVar aggregate classification (germline): Uncertain significance (1 of 4 stars; one submission).

Submission:

GeneDx
Classification: Uncertain significance. Last evaluated: 2024-12-13. Review status: criteria provided, single submitter. Criteria: GeneDx Variant Classification Process June 2021. Collection method: clinical testing. Allele origin: germline. Affected: yes.
Comment: Not observed at significant frequency in large population cohorts (gnomAD); In silico analysis indicates that this missense variant does not alter protein structure/function; Has not been previously published as pathogenic or benign to our knowledge